The following is an entry in ClinVar:

ClinVar aggregate classification (germline): Likely benign. Review status: criteria provided, single submitter (1 of 4 stars). 2 submissions from 2 submitters: Likely benign (1). 1 of the submissions does not count toward it. Last evaluated 2024-08-13.

Conditions:
POMP-related disorder. Also called: POMP-related condition.

Allele frequency attached by ClinVar (database versions not stated): TOPMed below 0.00001; gnomAD 0.00001; ExAC 0.00002; gnomAD exomes 0.00002.
gnomAD v4.1: 12 of 1,613,348 alleles (0.00074%); highest among the groups gnomAD compares: South Asian, 0.0022%; no homozygotes.

Submissions (2):

Labcorp Genetics (formerly Invitae), Labcorp
Classification: Likely benign. Last evaluated: 2024-08-13. Review status: criteria provided, single submitter. Criteria: Invitae Variant Classification Sherloc (09022015). Collection method: clinical testing. Allele origin: germline.

PreventionGenetics, part of Exact Sciences
Classification: Likely benign for POMP-related condition. Last evaluated: 2023-03-21. Review status: no assertion criteria provided. Collection method: clinical testing. Allele origin: germline. Not counted in ClinVar's aggregate classification.
Comment: This variant is classified as likely benign based on ACMG/AMP sequence variant interpretation guidelines (Richards et al. 2015 PMID: 25741868, with internal and published modifications).

NM_015932.6(POMP):c.426A>G (p.Ter142=)

Gene: POMP (proteasome maturation protein; plus strand). Cytogenetic location: 13q12.3.
Variant type: single nucleotide variant.
Coding change: c.426A>G on transcript NM_015932.6 (MANE Select); coding-DNA position 426, A replaced by G.
Protein change: p.Ter142=.
Molecular consequence: synonymous variant.
Genome position (GRCh38, 1-based): chr13:28,678,102, A>G. VCF-style: chr13-28678102-A-G. GRCh37 (hg19) VCF-style: chr13-29252239-A-G.
Other names: c.426A>G (NM_015932.5).
Identifiers: ClinVar variation 1968158 (VCV001968158.7), dbSNP rs777824677, ClinGen allele CA6931120.
Genomic context (GRCh38, chr13:28,678,102, plus strand): 5'-ACAAAGCGAAGTCATGGGAGAGCCACACTTGATGGTGGAATATAAACTTGGTTTACTGTA[A>G]TAGTGTGCTGTTCATGGAAACCGAGGGCTGCATCTTGTTTATAGTCATCTTTGTACTGTA-3'